The following is an entry in ClinVar:

NM_002907.4(RECQL):c.394+94A>G

Gene: RECQL (RecQ like helicase; minus strand). Cytogenetic location: 12p12.1.
Variant type: single nucleotide variant.
Coding change: c.394+94A>G on transcript NM_002907.4 (MANE Select); 94 bases into the intron after coding-DNA position 394, A replaced by G.
Molecular consequence: intron variant.
Genome position (GRCh38, 1-based): chr12:21,490,105, T>C on the plus strand (A>G on the coding strand, the complement: RECQL is on the minus strand). VCF-style: chr12-21490105-T-C. GRCh37 (hg19) VCF-style: chr12-21643039-T-C.
Other names: NC_000012.11:g.21643039T>C; c.394+94A>G (NM_032941.3).
Identifiers: ClinVar variation 679708 (VCV000679708.3), dbSNP rs71581965, ClinGen allele CA233582987.

ClinVar aggregate classification (germline): Benign. Review status: criteria provided, multiple submitters, no conflicts (2 of 4 stars). 2 submissions from 2 submitters: Benign (2). Last evaluated 2018-06-15.

Allele frequency attached by ClinVar (database versions not stated): 1000 Genomes Project 0.04073; 1000 Genomes Project 30x 0.04138; gnomAD exomes 0.04175; gnomAD 0.04739 and 0.04846; TOPMed 0.04962.
gnomAD v4.1: 26,034 of 598,384 alleles (4.4%); highest among the groups gnomAD compares: Middle Eastern, 10%; 723 homozygotes.

Submissions (16):

GeneDx
Classification: Benign. Last evaluated: 2018-06-15. Review status: criteria provided, single submitter. Criteria: GeneDx Variant Classification (06012015). Collection method: clinical testing. Allele origin: germline. Affected: yes.
Comment: This variant is considered likely benign or benign based on one or more of the following criteria: it is a conservative change, it occurs at a poorly conserved position in the protein, it is predicted to be benign by multiple in silico algorithms, and/or has population frequency not consistent with disease.

Breakthrough Genomics
Classification: Benign. Review status: criteria provided, single submitter. Criteria: ACMG Guidelines, 2015. Collection method: not provided. Allele origin: germline. Inheritance: Unknown mechanism. Affected: yes.

Dr. Peter K. Rogan Lab, Western University
No classification provided (evidence only). Condition: Lung cancer. Review status: no classification provided. Collection method: in vitro. Allele origin: not applicable. Functional consequence: retained intron. Not counted in ClinVar's aggregate classification.

Dr. Peter K. Rogan Lab, Western University
No classification provided (evidence only). Condition: Lung cancer. Review status: no classification provided. Collection method: in vitro. Allele origin: not applicable. Functional consequence: retained intron. Not counted in ClinVar's aggregate classification.

Dr. Peter K. Rogan Lab, Western University
No classification provided (evidence only). Condition: Lung cancer. Review status: no classification provided. Collection method: in vitro. Allele origin: not applicable. Functional consequence: retained intron. Not counted in ClinVar's aggregate classification.

Dr. Peter K. Rogan Lab, Western University
No classification provided (evidence only). Condition: Acute myeloid leukemia. Review status: no classification provided. Collection method: in vitro. Allele origin: not applicable. Functional consequence: retained intron. Not counted in ClinVar's aggregate classification.

Dr. Peter K. Rogan Lab, Western University
No classification provided (evidence only). Condition: Sarcoma. Review status: no classification provided. Collection method: in vitro. Allele origin: not applicable. Functional consequence: retained intron. Not counted in ClinVar's aggregate classification.

Dr. Peter K. Rogan Lab, Western University
No classification provided (evidence only). Condition: Sarcoma. Review status: no classification provided. Collection method: in vitro. Allele origin: not applicable. Functional consequence: retained intron. Not counted in ClinVar's aggregate classification.

Dr. Peter K. Rogan Lab, Western University
No classification provided (evidence only). Condition: Sarcoma. Review status: no classification provided. Collection method: in vitro. Allele origin: not applicable. Functional consequence: retained intron. Not counted in ClinVar's aggregate classification.

Dr. Peter K. Rogan Lab, Western University
No classification provided (evidence only). Condition: Sarcoma. Review status: no classification provided. Collection method: in vitro. Allele origin: not applicable. Functional consequence: retained intron. Not counted in ClinVar's aggregate classification.

Dr. Peter K. Rogan Lab, Western University
No classification provided (evidence only). Condition: Sarcoma. Review status: no classification provided. Collection method: in vitro. Allele origin: not applicable. Functional consequence: retained intron. Not counted in ClinVar's aggregate classification.

Dr. Peter K. Rogan Lab, Western University
No classification provided (evidence only). Condition: Thymoma. Review status: no classification provided. Collection method: in vitro. Allele origin: not applicable. Functional consequence: retained intron. Not counted in ClinVar's aggregate classification.

Dr. Peter K. Rogan Lab, Western University
No classification provided (evidence only). Condition: Thymoma. Review status: no classification provided. Collection method: in vitro. Allele origin: not applicable. Functional consequence: retained intron. Not counted in ClinVar's aggregate classification.

Dr. Peter K. Rogan Lab, Western University
No classification provided (evidence only). Condition: Thymoma. Review status: no classification provided. Collection method: in vitro. Allele origin: not applicable. Functional consequence: retained intron. Not counted in ClinVar's aggregate classification.

Dr. Peter K. Rogan Lab, Western University
No classification provided (evidence only). Condition: Malignant tumor of esophagus. Review status: no classification provided. Collection method: in vitro. Allele origin: not applicable. Functional consequence: retained intron. Not counted in ClinVar's aggregate classification.

Dr. Peter K. Rogan Lab, Western University
No classification provided (evidence only). Condition: Malignant tumor of esophagus. Review status: no classification provided. Collection method: in vitro. Allele origin: not applicable. Functional consequence: retained intron. Not counted in ClinVar's aggregate classification.